The following is an entry in ClinVar:

NM_182961.4(SYNE1):c.5831A>C (p.Gln1944Pro)

Gene: SYNE1 (spectrin repeat containing nuclear envelope protein 1; minus strand). Cytogenetic location: 6q25.2.
Variant type: single nucleotide variant.
Coding change: c.5831A>C on transcript NM_182961.4 (MANE Select); coding-DNA position 5831, A replaced by C.
Protein change: p.Gln1944Pro; replaces glutamine 1944 with proline.
Molecular consequence: missense variant.
Genome position (GRCh38, 1-based): chr6:152,416,606, T>G on the plus strand (A>C on the coding strand, the complement: SYNE1 is on the minus strand). VCF-style: chr6-152416606-T-G. GRCh37 (hg19) VCF-style: chr6-152737741-T-G.
Other names: c.5852A>C, p.Gln1951Pro (NM_033071.5); short protein forms Q1944P, Q1951P.
Identifiers: ClinVar variation 1676541 (VCV001676541.3), dbSNP rs1483236627, ClinGen allele CA366131959.

ClinVar aggregate classification (germline): Uncertain significance (1 of 4 stars; one submission).

Submission:

Greenwood Genetic Center Diagnostic Laboratories, Greenwood Genetic Center
Classification: Uncertain significance. Last evaluated: 2022-01-20. Review status: criteria provided, single submitter. Criteria: ACMG Guidelines, 2015. Collection method: clinical testing. Allele origin: germline. Affected: yes.
Comment: PM2